The following is an entry in ClinVar:

ClinVar aggregate classification (germline): Uncertain significance (1 of 4 stars; one submission).

Submission:

Labcorp Genetics (formerly Invitae), Labcorp
Classification: Uncertain significance. Last evaluated: 2025-04-12. Review status: criteria provided, single submitter. Criteria: Invitae Variant Classification Sherloc (09022015). Collection method: clinical testing. Allele origin: germline.
Comment: This sequence change replaces glycine, which is neutral and non-polar, with aspartic acid, which is acidic and polar, at codon 619 of the TNK2 protein (p.Gly619Asp). This variant is present in population databases (no rsID available, gnomAD 0.01%). This variant has not been reported in the literature in individuals affected with TNK2-related conditions. ClinVar contains an entry for this variant (Variation ID: 2814607). An algorithm developed to predict the effect of missense changes on protein structure and function (PolyPhen-2) suggests that this variant is likely to be disruptive. In summary, the available evidence is currently insufficient to determine the role of this variant in disease. Therefore, it has been classified as a Variant of Uncertain Significance.

NM_001382273.1(TNK2):c.1667_1668delinsAT (p.Gly556Asp)

Gene: TNK2 (tyrosine kinase non receptor 2; minus strand). Cytogenetic location: 3q29.
Variant type: Indel.
Coding change: c.1667_1668delinsAT on transcript NM_001382273.1 (MANE Select); coding-DNA positions 1667 to 1668, GC replaced by AT.
Protein change: p.Gly556Asp; replaces glycine 556 with aspartic acid.
Molecular consequence: missense variant. On other transcripts: non-coding transcript variant (15).
Genome position (GRCh38, 1-based): chr3:195,868,630-195,868,631, GC replaced by AT on the plus strand (GC replaced by AT on the coding strand, the reverse complement: TNK2 is on the minus strand). VCF-style: chr3-195868630-GC-AT. GRCh37 (hg19) VCF-style: chr3-195595501-GC-AT.
Other names: c.1739_1740delinsAT, p.Gly580Asp (NM_001010938.2, NM_001382272.1); c.1718_1719delinsAT, p.Gly573Asp (NM_001308046.2, NM_001382271.1); c.1667_1668delinsAT, p.Gly556Asp (NM_001382274.1, NM_001387716.1, NM_001387717.1 and 1 more transcripts); c.1763_1764delinsAT, p.Gly588Asp (NM_001382275.1, NM_001387707.1); c.1622_1623delinsAT, p.Gly541Asp (NM_001386164.1, NM_001387709.1, NM_001387710.1 and 8 more transcripts); c.1694_1695delinsAT, p.Gly565Asp (NM_001387708.1, NM_001387715.1); short protein forms G580D, G588D, G556D, G565D, G573D, G541D.
Identifiers: ClinVar variation 2814607 (VCV002814607.3), dbSNP rs2474262050, ClinGen allele CA2739269982.